The following is an entry in ClinVar:

ClinVar aggregate classification (germline): Uncertain significance. Review status: criteria provided, multiple submitters, no conflicts (2 of 4 stars). 3 submissions from 3 submitters: Uncertain significance (3). Last evaluated 2025-06-20.

Conditions:
Inborn genetic diseases. Identifiers: MedGen C0950123, MeSH D030342.
Hyperkalemic periodic paralysis. Also called: Familial hyperkalemic periodic paralysis; Gamstorp disease. Identifiers: Orphanet 682, MedGen C0238357, MONDO:0008224, OMIM 170500, HP:0007215.

Allele frequency attached by ClinVar (database versions not stated): gnomAD exomes 0.00001; gnomAD 0.00002; TOPMed 0.00002.

Submissions (3):

Labcorp Genetics (formerly Invitae), Labcorp
Classification: Uncertain significance for Hyperkalemic periodic paralysis. Last evaluated: 2025-06-20. Review status: criteria provided, single submitter. Criteria: Invitae Variant Classification Sherloc (09022015). Collection method: clinical testing. Allele origin: germline.
Comment: This sequence change replaces glutamic acid, which is acidic and polar, with alanine, which is neutral and non-polar, at codon 455 of the SCN4A protein (p.Glu455Ala). This variant is present in population databases (no rsID available, gnomAD 0.002%). This variant has not been reported in the literature in individuals affected with SCN4A-related conditions. ClinVar contains an entry for this variant (Variation ID: 2049732). Invitae Evidence Modeling of protein sequence and biophysical properties (such as structural, functional, and spatial information, amino acid conservation, physicochemical variation, residue mobility, and thermodynamic stability) indicates that this missense variant is not expected to disrupt SCN4A protein function with a negative predictive value of 95%. In summary, the available evidence is currently insufficient to determine the role of this variant in disease. Therefore, it has been classified as a Variant of Uncertain Significance.

Ambry Genetics
Classification: Uncertain significance for Inborn genetic diseases. Last evaluated: 2023-08-22. Review status: criteria provided, single submitter. Criteria: Ambry Variant Classification Scheme 2023. Collection method: clinical testing. Allele origin: germline.

Clinical Genetics Laboratory, Skane University Hospital Lund
Classification: Uncertain significance. Last evaluated: 2022-10-17. Review status: criteria provided, single submitter. Criteria: ACMG Guidelines, 2015. Collection method: clinical testing. Allele origin: germline. Affected: yes.

NM_000334.4(SCN4A):c.1364A>C (p.Glu455Ala)

Gene: SCN4A (sodium voltage-gated channel alpha subunit 4; minus strand). Cytogenetic location: 17q23.3.
Variant type: single nucleotide variant.
Coding change: c.1364A>C on transcript NM_000334.4 (MANE Select); coding-DNA position 1364, A replaced by C.
Protein change: p.Glu455Ala; replaces glutamic acid 455 with alanine.
Molecular consequence: missense variant.
Genome position (GRCh38, 1-based): chr17:63,964,556, T>G on the plus strand (A>C on the coding strand, the complement: SCN4A is on the minus strand). VCF-style: chr17-63964556-T-G. GRCh37 (hg19) VCF-style: chr17-62041916-T-G.
Other names: short protein forms E455A.
Identifiers: ClinVar variation 2049732 (VCV002049732.7), dbSNP rs1217352544, ClinGen allele CA400634958.